The following is an entry in ClinVar:

NM_000138.5(FBN1):c.5720del (p.Asn1907fs)

Gene: FBN1 (fibrillin 1; minus strand). Cytogenetic location: 15q21.1.
Variant type: Deletion.
Coding change: c.5720del on transcript NM_000138.5 (MANE Select); coding-DNA position 5720, one base deleted (A; older notation c.5720delA).
Protein change: p.Asn1907fs; shifts the reading frame from asparagine 1907.
Molecular consequence: frameshift variant.
Genome position (GRCh38, 1-based): chr15:48,446,774, T deleted on the plus strand (A on the coding strand, the reverse complement: FBN1 is on the minus strand); the first of 2 consecutive T bases (chr15:48,446,774-48,446,775); deleting either gives the same sequence. VCF-style (leftmost placement, unchanged base first): chr15-48446773-GT-G. GRCh37 (hg19) VCF-style: chr15-48738970-GT-G.
Other names: short protein forms N1907fs.
Identifiers: ClinVar variation 263866 (VCV000263866.5), dbSNP rs886038959, ClinGen allele CA10587809.

ClinVar aggregate classification (germline): Pathogenic (1 of 4 stars; one submission).

Conditions:
Familial thoracic aortic aneurysm and aortic dissection (TAAD). Also called: Thoracic aortic aneurysms and dissections. Identifiers: Orphanet 91387, MedGen C4707243, MONDO:0019625.

Submission:

Ambry Genetics
Classification: Pathogenic for Familial thoracic aortic aneurysm and aortic dissection. Last evaluated: 2014-10-01. Review status: criteria provided, single submitter. Criteria: Ambry Variant Classification Scheme 2023. Collection method: clinical testing. Allele origin: germline.
Comment: The c.5720delA pathogenic mutation, located in coding exon 46 of the FBN1 gene in the cb EGF-like #28 domain, results from a deletion of one nucleotide at position 5720, causing a translational frameshift with a predicted alternate stop codon (p.N1907Tfs*23). A neighboring deletion, c.5718delG, also results in this frameshift and was reported in a patient with classic Marfan syndrome (Comeglio P et al. Hum Mutat. 2007;28(9):928). Since frameshifts are typically deleterious in nature, c.5720delA is interpreted as a disease-causing mutation (ACMG Recommendations for Standards for Interpretation and Reporting of Sequence Variations. Revision 2007. Genet Med. 2008;10:294).

Literature cited by the submitters: PubMed 17657824.